The following is an entry in ClinVar:

NM_001371727.1(GABRB2):c.1475G>A (p.Arg492His)

Gene: GABRB2 (gamma-aminobutyric acid type A receptor subunit beta2; minus strand). Cytogenetic location: 5q34.
Variant type: single nucleotide variant.
Coding change: c.1475G>A on transcript NM_001371727.1 (MANE Select); coding-DNA position 1475, G replaced by A.
Protein change: p.Arg492His; replaces arginine 492 with histidine.
Molecular consequence: missense variant.
Genome position (GRCh38, 1-based): chr5:161,294,145, C>T on the plus strand (G>A on the coding strand, the complement: GABRB2 is on the minus strand). VCF-style: chr5-161294145-C-T. GRCh37 (hg19) VCF-style: chr5-160721152-C-T.
Other names: c.1361G>A, p.Arg454His (NM_000813.3); c.1475G>A, p.Arg492His (NM_021911.3); short protein forms R454H, R492H.
Identifiers: ClinVar variation 962447 (VCV000962447.10), dbSNP rs1757313373, ClinGen allele CA362172935.

ClinVar aggregate classification (germline): Uncertain significance (1 of 4 stars; one submission).

Conditions:
Intellectual disability. Also called: intellectual disabilities; Intellectual developmental disorder; Intellectual functioning disability. Identifiers: MedGen C3714756, MeSH D008607, MONDO:0001071, HP:0001249.

gnomAD v4.1: 2 of 1,613,892 alleles (0.00012%); highest among the groups gnomAD compares: Non-Finnish European, 0.000085%; no homozygotes.

Submission:

Labcorp Genetics (formerly Invitae), Labcorp
Classification: Uncertain significance for Intellectual disability. Last evaluated: 2019-10-31. Review status: criteria provided, single submitter. Criteria: Invitae Variant Classification Sherloc (09022015). Collection method: clinical testing. Allele origin: germline.
Comment: In summary, the available evidence is currently insufficient to determine the role of this variant in disease. Therefore, it has been classified as a Variant of Uncertain Significance. Algorithms developed to predict the effect of missense changes on protein structure and function (SIFT, PolyPhen-2, Align-GVGD) all suggest that this variant is likely to be disruptive, but these predictions have not been confirmed by published functional studies and their clinical significance is uncertain. This variant has not been reported in the literature in individuals with GABRB2-related conditions. This variant is not present in population databases (ExAC no frequency). This sequence change replaces arginine with histidine at codon 492 of the GABRB2 protein (p.Arg492His). The arginine residue is highly conserved and there is a small physicochemical difference between arginine and histidine.